The following is an entry in ClinVar:

ClinVar aggregate classification (germline): Uncertain significance (1 of 4 stars; one submission).

Conditions:
Long QT syndrome (LQTS). Identifiers: MedGen C0023976, MeSH D008133, MONDO:0002442. Disease mechanism: loss of function. Inheritance: Various modes of inheritance.

Submission:

Labcorp Genetics (formerly Invitae), Labcorp
Classification: Uncertain significance for Long QT syndrome. Last evaluated: 2021-08-31. Review status: criteria provided, single submitter. Criteria: Invitae Variant Classification Sherloc (09022015). Collection method: clinical testing. Allele origin: germline.
Comment: This variant has been observed in individual(s) with clinical features of KCNQ1-related conditions (Invitae). The frequency data for this variant in the population databases is considered unreliable, as metrics indicate insufficient coverage at this position in the ExAC database. This variant occurs in a non-coding region of the KCNQ1 gene. It does not change the encoded amino acid sequence of the KCNQ1 protein. Experimental studies and prediction algorithms are not available or were not evaluated, and the functional significance of this variant is currently unknown. In summary, the available evidence is currently insufficient to determine the role of this variant in disease. Therefore, it has been classified as a Variant of Uncertain Significance.

NC_000011.10:g.2847985_2848010dup

Genes: KCNQ1 (potassium voltage-gated channel subfamily Q member 1; plus strand), KCNQ1-AS1 (KCNQ1 antisense RNA 1; minus strand). Cytogenetic location: 11p15.4.
Variant type: Duplication.
Genome position: GRCh38 VCF-style: chr11-2847976-C-CAGGAGGGGCCCCGATGAGGGGTCCTG. GRCh37 (hg19) VCF-style: chr11-2869206-C-CAGGAGGGGCCCCGATGAGGGGTCCTG.
Identifiers: ClinVar variation 1378963 (VCV001378963.8), dbSNP rs2134097591, ClinGen allele CA2573145952.